The following is an entry in ClinVar:

ClinVar aggregate classification (germline): Pathogenic. Review status: criteria provided, single submitter (1 of 4 stars). 2 submissions from 2 submitters: Pathogenic (1). 1 of the submissions does not count toward it. Last evaluated 2024-03-24.

Conditions:
Xeroderma pigmentosum group B. Also called: XP, GROUP B; XPB/CS; XERODERMA PIGMENTOSUM B/COCKAYNE SYNDROME; ERCC3-Related Xeroderma Pigmentosum. Identifiers: MedGen C0268136, MONDO:0012531, OMIM 610651.

Allele frequency attached by ClinVar (database versions not stated): gnomAD exomes below 0.00001 and 0.00001; TOPMed below 0.00001; ExAC 0.00001.
gnomAD v4.1: 4 of 1,613,558 alleles (0.00025%); highest among the groups gnomAD compares: Non-Finnish European, 0.00034%; no homozygotes.

Submissions (2):

Labcorp Genetics (formerly Invitae), Labcorp
Classification: Pathogenic. Last evaluated: 2024-03-24. Review status: criteria provided, single submitter. Criteria: Invitae Variant Classification Sherloc (09022015). Collection method: clinical testing. Allele origin: germline.
Comment: This sequence change creates a premature translational stop signal (p.Gln545*) in the ERCC3 gene. It is expected to result in an absent or disrupted protein product. Loss-of-function variants in ERCC3 are known to be pathogenic (PMID: 16947863). This variant is present in population databases (rs121913048, gnomAD 0.0009%). This premature translational stop signal has been observed in individual(s) with Cockayne syndrome (PMID: 16947863). ClinVar contains an entry for this variant (Variation ID: 16588). For these reasons, this variant has been classified as Pathogenic.

OMIM
Classification: Pathogenic for XERODERMA PIGMENTOSUM B/COCKAYNE SYNDROME. Last evaluated: 2006-11-01. Review status: no assertion criteria provided. Collection method: literature only. Allele origin: germline. Not counted in ClinVar's aggregate classification.

Literature cited by the submitters: PubMed 16947863 (cited by Labcorp Genetics (formerly Invitae), Labcorp and OMIM).

NM_000122.2(ERCC3):c.1633C>T (p.Gln545Ter)

Gene: ERCC3 (ERCC excision repair 3, TFIIH core complex helicase subunit; minus strand). Cytogenetic location: 2q14.3.
Variant type: single nucleotide variant.
Coding change: c.1633C>T on transcript NM_000122.2 (MANE Select); coding-DNA position 1633, C replaced by T.
Protein change: p.Gln545Ter; replaces glutamine 545 with a stop codon.
Molecular consequence: nonsense.
Genome position (GRCh38, 1-based): chr2:127,279,270, G>A on the plus strand (C>T on the coding strand, the complement: ERCC3 is on the minus strand). VCF-style: chr2-127279270-G-A. GRCh37 (hg19) VCF-style: chr2-128036846-G-A.
Other names: c.1441C>T, p.Gln481Ter (NM_001303416.2, NM_001303418.2); short protein forms Q545*, Q481*.
Identifiers: ClinVar variation 16588 (VCV000016588.3), dbSNP rs121913048, ClinGen allele CA257548.
Genomic context (GRCh38, chr2:127,279,270, plus strand): 5'-CATTGTCAGCAAAGACAATAATCTTGTCATTCCTCCTTTCATGAAACTTGATCAGAAACT[G>A]GCAAGCTCTAAATTTGTTGGGGTTCATGGTGTACAGCAAGATTCGTTTCTTGGTTTTGAT-3'